The following is an entry in ClinVar:

NM_001032283.3(TMPO):c.565+2173dup

Gene: TMPO (thymopoietin; plus strand). Cytogenetic location: 12q23.1.
Variant type: Duplication.
Coding change: c.565+2173dup on transcript NM_001032283.3 (MANE Select); 2173 bases into the intron after coding-DNA position 565, one base duplicated (A; older notation c.565+2173dupA).
Molecular consequence: intron variant. On other transcripts: frameshift variant (1).
Genome position (GRCh38, 1-based): chr12:98,534,011, A duplicated. VCF-style (leftmost placement, unchanged base first): chr12-98534010-C-CA. GRCh37 (hg19) VCF-style: chr12-98927788-C-CA.
Other names: c.1754dup, p.His585fs (NM_003276.2); c.565+2173dup (NM_001307975.2, NM_001032284.3); short protein forms H585fs.
Identifiers: ClinVar variation 3712333 (VCV003712333.2).

ClinVar aggregate classification (germline): Uncertain significance (1 of 4 stars; one submission).

Conditions:
Loeys-Dietz syndrome 2 (LDS2). Also called: TGFBR2-Related Loeys-Dietz Syndrome; AORTIC ANEURYSM, FAMILIAL THORACIC 3; Marfan Syndrome type 2; Marfan like connective tissue disorder; MFS 2; Marfan syndrome, type 2 (formerly). Identifiers: Orphanet 284973, Orphanet 558, MedGen C2674574, MONDO:0012427, OMIM 610168.

Submission:

Labcorp Genetics (formerly Invitae), Labcorp
Classification: Uncertain significance for Loeys-Dietz syndrome 2. Last evaluated: 2025-09-29. Review status: criteria provided, single submitter. Criteria: Invitae Variant Classification Sherloc (09022015). Collection method: clinical testing. Allele origin: germline.
Comment: This sequence change creates a premature translational stop signal (p.His585Glnfs*7) in the TMPO gene. While this is not anticipated to result in nonsense mediated decay, it is expected to disrupt the last 110 amino acid(s) of the TMPO protein. This variant is present in population databases (rs750864467, gnomAD 0.02%). This variant has not been reported in the literature in individuals affected with TMPO-related conditions. ClinVar contains an entry for this variant (Variation ID: 3712333). Experimental studies and prediction algorithms are not available or were not evaluated, and the functional significance of this variant is currently unknown. In summary, the available evidence is currently insufficient to determine the role of this variant in disease. Therefore, it has been classified as a Variant of Uncertain Significance.